The following is an entry in ClinVar:

ClinVar aggregate classification (germline): Uncertain significance (1 of 4 stars; one submission).

Conditions:
Left ventricular noncompaction 8 (LVNC8). Identifiers: Orphanet 154, Orphanet 54260, MedGen C3809288, MONDO:0014152, OMIM 615373.

Allele frequency attached by ClinVar (database versions not stated): gnomAD exomes 0.00001 and 0.00002; TOPMed 0.00002; gnomAD 0.00003.
gnomAD v4.1: 38 of 1,589,504 alleles (0.0024%); highest among the groups gnomAD compares: East Asian, 0.0045%; no homozygotes.

Submission:

Labcorp Genetics (formerly Invitae), Labcorp
Classification: Uncertain significance for Left ventricular noncompaction 8. Last evaluated: 2024-10-21. Review status: criteria provided, single submitter. Criteria: Invitae Variant Classification Sherloc (09022015). Collection method: clinical testing. Allele origin: germline.
Comment: This sequence change replaces valine, which is neutral and non-polar, with methionine, which is neutral and non-polar, at codon 662 of the PRDM16 protein (p.Val662Met). This variant is present in population databases (no rsID available, gnomAD 0.01%). This variant has not been reported in the literature in individuals affected with PRDM16-related conditions. ClinVar contains an entry for this variant (Variation ID: 474415). An algorithm developed to predict the effect of missense changes on protein structure and function outputs the following: PolyPhen-2: "Benign". The methionine amino acid residue is found in multiple mammalian species, which suggests that this missense change does not adversely affect protein function. In summary, the available evidence is currently insufficient to determine the role of this variant in disease. Therefore, it has been classified as a Variant of Uncertain Significance.

NM_022114.4(PRDM16):c.1984G>A (p.Val662Met)

Gene: PRDM16 (PR/SET domain 16; plus strand). Cytogenetic location: 1p36.32.
Variant type: single nucleotide variant.
Coding change: c.1984G>A on transcript NM_022114.4 (MANE Select); coding-DNA position 1984, G replaced by A.
Protein change: p.Val662Met; replaces valine 662 with methionine.
Molecular consequence: missense variant.
Genome position (GRCh38, 1-based): chr1:3,412,181, G>A. VCF-style: chr1-3412181-G-A. GRCh37 (hg19) VCF-style: chr1-3328745-G-A.
Other names: c.1984G>A, p.Val662Met (NM_199454.3); short protein forms V662M.
Identifiers: ClinVar variation 474415 (VCV000474415.8), dbSNP rs1016599754, ClinGen allele CA16967136.